The following is an entry in ClinVar:

NM_001166108.2(PALLD):c.824A>C (p.Gln275Pro)

Gene: PALLD (palladin, cytoskeletal associated protein; plus strand). Cytogenetic location: 4q32.3.
Variant type: single nucleotide variant.
Coding change: c.824A>C on transcript NM_001166108.2 (MANE Select); coding-DNA position 824, A replaced by C.
Protein change: p.Gln275Pro; replaces glutamine 275 with proline.
Molecular consequence: missense variant.
Genome position (GRCh38, 1-based): chr4:168,512,328, A>C. VCF-style: chr4-168512328-A-C. GRCh37 (hg19) VCF-style: chr4-169433479-A-C.
Other names: c.824A>C, p.Gln275Pro (NM_016081.4); short protein forms Q275P.
Identifiers: ClinVar variation 2563430 (VCV002563430.2), dbSNP rs2531437213, ClinGen allele CA358728453.

ClinVar aggregate classification (germline): Uncertain significance (1 of 4 stars; one submission).

Submission:

Ambry Genetics
Classification: Uncertain significance. Last evaluated: 2023-05-31. Review status: criteria provided, single submitter. Criteria: Ambry Variant Classification Scheme 2023. Collection method: clinical testing. Allele origin: germline.
Comment: The p.Q275P variant (also known as c.824A>C), located in coding exon 1 of the PALLD gene, results from an A to C substitution at nucleotide position 824. The glutamine at codon 275 is replaced by proline, an amino acid with similar properties. This amino acid position is conserved. In addition, the in silico prediction for this alteration is inconclusive. Since supporting evidence is limited at this time, the clinical significance of this alteration remains unclear.